The following is an entry in ClinVar:

NM_175875.5(SIX5):c.209C>T (p.Pro70Leu)

Genes: DM1-AS (DM1 locus antisense RNA; plus strand), SIX5 (SIX homeobox 5; minus strand), LOC107075317 (origin of replication in DMPK trinucleotide repeat region; plus strand), LOC129929037 (ATAC-STARR-seq lymphoblastoid silent region 10794; plus strand). Cytogenetic location: 19q13.32.
Variant type: single nucleotide variant.
Coding change: c.209C>T on transcript NM_175875.5 (MANE Select); coding-DNA position 209, C replaced by T.
Protein change: p.Pro70Leu; replaces proline 70 with leucine.
Molecular consequence: missense variant.
Genome position (GRCh38, 1-based): chr19:45,768,636, G>A on the plus strand (C>T on the coding strand, the complement: SIX5 is on the minus strand). VCF-style: chr19-45768636-G-A. GRCh37 (hg19) VCF-style: chr19-46271894-G-A.
Other names: short protein forms P70L.
Identifiers: ClinVar variation 3796236 (VCV003796236.8).

ClinVar aggregate classification (germline): Uncertain significance. Review status: criteria provided, multiple submitters, no conflicts (2 of 4 stars). 3 submissions from 3 submitters: Uncertain significance (3). Last evaluated 2025-12-20.

gnomAD v4.1: 3 of 1,268,306 alleles (0.00024%); highest among the groups gnomAD compares: Non-Finnish European, 0.0003%; no homozygotes.

Submissions (3):

Labcorp Genetics (formerly Invitae), Labcorp
Classification: Uncertain significance. Last evaluated: 2025-12-20. Review status: criteria provided, single submitter. Criteria: Invitae Variant Classification Sherloc (09022015). Collection method: clinical testing. Allele origin: germline.
Comment: This sequence change replaces proline, which is neutral and non-polar, with leucine, which is neutral and non-polar, at codon 70 of the SIX5 protein (p.Pro70Leu). This variant is not present in population databases (gnomAD no frequency). This variant has not been reported in the literature in individuals affected with SIX5-related conditions. ClinVar contains an entry for this variant (Variation ID: 3796236). Invitae Evidence Modeling of protein sequence and biophysical properties (such as structural, functional, and spatial information, amino acid conservation, physicochemical variation, residue mobility, and thermodynamic stability) indicates that this missense variant is not expected to disrupt SIX5 protein function with a negative predictive value of 80%. In summary, the available evidence is currently insufficient to determine the role of this variant in disease. Therefore, it has been classified as a Variant of Uncertain Significance.

CeGaT Center for Human Genetics Tuebingen
Classification: Uncertain significance. Last evaluated: 2025-10-01. Review status: criteria provided, single submitter. Criteria: CeGaT Center For Human Genetics Tuebingen Variant Classification Criteria Version 2. Collection method: clinical testing. Allele origin: germline. Affected: yes. Observed: 1 variant allele.

Ambry Genetics
Classification: Uncertain significance. Last evaluated: 2025-02-07. Review status: criteria provided, single submitter. Criteria: Ambry Variant Classification Scheme 2023. Collection method: clinical testing. Allele origin: germline.